The following is an entry in ClinVar:

ClinVar aggregate classification (germline): Uncertain significance (1 of 4 stars; one submission).

Conditions:
Inborn genetic diseases. Identifiers: MedGen C0950123, MeSH D030342.

Allele frequency attached by ClinVar (database versions not stated): gnomAD exomes below 0.00001; ExAC 0.00001; gnomAD 0.00001.
gnomAD v4.1: 6 of 1,614,092 alleles (0.00037%); highest among the groups gnomAD compares: East Asian, 0.0022%; no homozygotes.

Submission:

Ambry Genetics
Classification: Uncertain significance for Inborn genetic diseases. Last evaluated: 2019-10-31. Review status: criteria provided, single submitter. Criteria: Ambry Variant Classification Scheme 2023. Collection method: clinical testing. Allele origin: germline.
Comment: The p.T891M variant (also known as c.2672C>T), located in coding exon 19 of the AARS gene, results from a C to T substitution at nucleotide position 2672. The threonine at codon 891 is replaced by methionine, an amino acid with similar properties. This amino acid position is not well conserved in available vertebrate species. In addition, the in silico prediction for this alteration is inconclusive. Since supporting evidence is limited at this time, the clinical significance of this alteration remains unclear.

NM_001605.3(AARS1):c.2672C>T (p.Thr891Met)

Gene: AARS1 (alanyl-tRNA synthetase 1; minus strand). Cytogenetic location: 16q22.1.
Variant type: single nucleotide variant.
Coding change: c.2672C>T on transcript NM_001605.3 (MANE Select); coding-DNA position 2672, C replaced by T.
Protein change: p.Thr891Met; replaces threonine 891 with methionine.
Molecular consequence: missense variant.
Genome position (GRCh38, 1-based): chr16:70,253,317, G>A on the plus strand (C>T on the coding strand, the complement: AARS1 is on the minus strand). VCF-style: chr16-70253317-G-A. GRCh37 (hg19) VCF-style: chr16-70287220-G-A.
Other names: short protein forms T891M.
Identifiers: ClinVar variation 1800440 (VCV001800440.2), dbSNP rs763779591, ClinGen allele CA8140312.